The following is an entry in ClinVar:

NM_003872.3(NRP2):c.1197C>T (p.His399=)

Gene: NRP2 (neuropilin 2; plus strand). Cytogenetic location: 2q33.3.
Variant type: single nucleotide variant.
Coding change: c.1197C>T on transcript NM_003872.3 (MANE Select); coding-DNA position 1197, C replaced by T.
Protein change: p.His399=; no amino-acid change (histidine 399 retained).
Molecular consequence: synonymous variant.
Genome position (GRCh38, 1-based): chr2:205,740,569, C>T. VCF-style: chr2-205740569-C-T. GRCh37 (hg19) VCF-style: chr2-206605293-C-T.
Other names: c.1197C>T, p.His399= (NM_018534.4, NM_201264.2, NM_201266.2 and 2 more transcripts).
Identifiers: ClinVar variation 3032976 (VCV003032976.2), dbSNP rs376163510, ClinGen allele CA2069042.
Genomic context (GRCh38, chr2:205,740,569, plus strand): 5'-TACGCTACAGGTATTTCAAGCCAACAACGATGCAACTGAGGTGGTTCTGAACAAGCTCCA[C>T]GCTCCACTGCTGACAAGGTTTGTTAGAATCCGCCCTCAGACCTGGCACTCAGGTATCGCC-3'
Protein context (NP_003863.2, residues 389-409): DATEVVLNKL[His399=]APLLTRFVRI

ClinVar aggregate classification (germline): Likely benign (0 of 4 stars; one submission).

Conditions:
NRP2-related disorder. Also called: NRP2-related condition.

Allele frequency attached by ClinVar (database versions not stated): ExAC 0.00002; gnomAD exomes 0.00002; TOPMed 0.00002; gnomAD 0.00003; ESP Exome Variant Server 0.00008.
gnomAD v4.1: 38 of 1,614,196 alleles (0.0024%); highest among the groups gnomAD compares: East Asian, 0.016%; no homozygotes.

Submission:

PreventionGenetics, part of Exact Sciences
Classification: Likely benign for NRP2-related condition. Last evaluated: 2022-04-14. Review status: no assertion criteria provided. Collection method: clinical testing. Allele origin: germline.
Comment: This variant is classified as likely benign based on ACMG/AMP sequence variant interpretation guidelines (Richards et al. 2015 PMID: 25741868, with internal and published modifications).